The following is an entry in ClinVar:

ClinVar aggregate classification (germline): Likely benign. Review status: criteria provided, multiple submitters, no conflicts (2 of 4 stars). 2 submissions from 2 submitters: Likely benign (2). Last evaluated 2024-08-01.

Allele frequency attached by ClinVar (database versions not stated): gnomAD 0.00001; gnomAD exomes 0.00001.
gnomAD v4.1: 9 of 1,613,888 alleles (0.00056%); highest among the groups gnomAD compares: Non-Finnish European, 0.00076%; no homozygotes.

Submissions (2):

CeGaT Center for Human Genetics Tuebingen
Classification: Likely benign. Last evaluated: 2024-08-01. Review status: criteria provided, single submitter. Criteria: CeGaT Center For Human Genetics Tuebingen Variant Classification Criteria Version 2. Collection method: clinical testing. Allele origin: germline. Affected: yes. Observed: 1 variant allele.
Comment: SNAP29: BP4, BP7

Labcorp Genetics (formerly Invitae), Labcorp
Classification: Likely benign. Last evaluated: 2023-11-08. Review status: criteria provided, single submitter. Criteria: Invitae Variant Classification Sherloc (09022015). Collection method: clinical testing. Allele origin: germline.

NM_004782.4(SNAP29):c.771A>G (p.Gln257=)

Gene: SNAP29 (synaptosome associated protein 29; plus strand). Cytogenetic location: 22q11.21.
Variant type: single nucleotide variant.
Coding change: c.771A>G on transcript NM_004782.4 (MANE Select); coding-DNA position 771, A replaced by G.
Protein change: p.Gln257=; no amino-acid change (glutamine 257 retained).
Molecular consequence: synonymous variant.
Genome position (GRCh38, 1-based): chr22:20,887,830, A>G. VCF-style: chr22-20887830-A-G. GRCh37 (hg19) VCF-style: chr22-21242118-A-G.
Identifiers: ClinVar variation 3000844 (VCV003000844.19), dbSNP rs1929055967, ClinGen allele CA513470600.